The following is an entry in ClinVar:

ClinVar aggregate classification (germline): Uncertain significance. Review status: criteria provided, multiple submitters, no conflicts (2 of 4 stars). 3 submissions from 3 submitters: Uncertain significance (3). Last evaluated 2022-09-01.

Conditions:
Emery-Dreifuss muscular dystrophy 4, autosomal dominant (EDMD4). Also called: EMERY-DREIFUSS MUSCULAR DYSTROPHY 4 WITH VARIABLE FEATURES. Identifiers: Orphanet 261, MedGen C2751807, MONDO:0013071, OMIM 612998.
Autosomal recessive ataxia, Beauce type. Also called: SYNE1-Related Autosomal Recessive Cerebellar Ataxia; Spinocerebellar ataxia, autosomal recessive 8; ATAXIA, RECESSIVE, OF BEAUCE; SYNE1 Deficiency. Identifiers: Orphanet 88644, MedGen C1853116, MONDO:0012549, OMIM 610743.

Allele frequency attached by ClinVar (database versions not stated): gnomAD 0.00004; TOPMed 0.00006; ExAC 0.00013; 1000 Genomes Project 30x 0.00016; gnomAD exomes 0.00018; 1000 Genomes Project 0.00020.
gnomAD v4.1: 57 of 1,598,230 alleles (0.0036%); highest among the groups gnomAD compares: Admixed American, 0.098%; no homozygotes.

Submissions (3):

Labcorp Genetics (formerly Invitae), Labcorp
Classification: Uncertain significance for Emery-Dreifuss muscular dystrophy 4, autosomal dominant; Autosomal recessive ataxia, Beauce type. Last evaluated: 2022-09-01. Review status: criteria provided, single submitter. Criteria: Invitae Variant Classification Sherloc (09022015). Collection method: clinical testing. Allele origin: germline.
Comment: This sequence change replaces glutamine, which is neutral and polar, with histidine, which is basic and polar, at codon 3848 of the SYNE1 protein (p.Gln3848His). This variant is present in population databases (rs190032752, gnomAD 0.1%). This variant has not been reported in the literature in individuals affected with SYNE1-related conditions. ClinVar contains an entry for this variant (Variation ID: 586705). Algorithms developed to predict the effect of missense changes on protein structure and function are either unavailable or do not agree on the potential impact of this missense change (SIFT: "Deleterious"; PolyPhen-2: "Benign"; Align-GVGD: "Class C15"). In summary, the available evidence is currently insufficient to determine the role of this variant in disease. Therefore, it has been classified as a Variant of Uncertain Significance.

Athena Diagnostics
Classification: Uncertain significance. Last evaluated: 2022-06-13. Review status: criteria provided, single submitter. Criteria: Athena Diagnostics Criteria. Collection method: clinical testing. Allele origin: unknown.

Eurofins Ntd Llc (ga)
Classification: Uncertain significance. Last evaluated: 2018-01-12. Review status: criteria provided, single submitter. Criteria: EGL Classification Definitions 2015. Collection method: clinical testing. Allele origin: germline. Observed: 1 variant allele, 1 heterozygote.

NM_182961.4(SYNE1):c.11589A>C (p.Gln3863His)

Gene: SYNE1 (spectrin repeat containing nuclear envelope protein 1; minus strand). Cytogenetic location: 6q25.2.
Variant type: single nucleotide variant.
Coding change: c.11589A>C on transcript NM_182961.4 (MANE Select); coding-DNA position 11589, A replaced by C.
Protein change: p.Gln3863His; replaces glutamine 3863 with histidine.
Molecular consequence: missense variant.
Genome position (GRCh38, 1-based): chr6:152,350,762, T>G on the plus strand (A>C on the coding strand, the complement: SYNE1 is on the minus strand). VCF-style: chr6-152350762-T-G. GRCh37 (hg19) VCF-style: chr6-152671897-T-G.
Other names: c.11544A>C, p.Gln3848His (NM_033071.5); short protein forms Q3848H, Q3863H.
Identifiers: ClinVar variation 586705 (VCV000586705.8), dbSNP rs190032752, ClinGen allele CA4056644.